The following is an entry in ClinVar:

NM_000038.6(APC):c.4185_4189del (p.Ser1395fs)

Gene: APC (APC regulator of Wnt signaling pathway; plus strand). Cytogenetic location: 5q22.2.
Variant type: Deletion.
Coding change: c.4185_4189del on transcript NM_000038.6 (MANE Select); coding-DNA positions 4185 to 4189, 5 bases deleted (TTTTG; older notation c.4185_4189delTTTTG).
Protein change: p.Ser1395fs; shifts the reading frame from serine 1395.
Molecular consequence: frameshift variant.
Genome position (GRCh38, 1-based): chr5:112,839,779-112,839,783, TTTTG deleted; deleting any 5 consecutive bases within chr5:112,839,778-112,839,783 gives the same sequence; the c. name uses the placement nearest the transcript's 3' end. VCF-style (leftmost placement, unchanged base first): chr5-112839777-AGTTTT-A. GRCh37 (hg19) VCF-style: chr5-112175474-AGTTTT-A.
Other names: c.4185_4189del, p.Ser1395fs (NM_001127510.3, NM_001354895.2); c.4131_4135del, p.Ser1377fs (NM_001127511.3); c.4239_4243del, p.Ser1413fs (NM_001354896.2); c.4215_4219del, p.Ser1405fs (NM_001354897.2); c.4110_4114del, p.Ser1370fs (NM_001354898.2); c.4101_4105del, p.Ser1367fs (NM_001354899.2); c.4062_4066del, p.Ser1354fs (NM_001354900.2); c.4008_4012del, p.Ser1336fs (NM_001354901.2); and 5 more; short protein forms S1235fs, S1367fs, S1370fs, S1294fs, S1354fs, S1395fs, S1405fs, S1112fs.
Identifiers: ClinVar variation 1427121 (VCV001427121.8), dbSNP rs2149908525, ClinGen allele CA2573138705.
Genomic context (GRCh38, chr5:112,839,777, plus strand): 5'-CACTATGTTCAGGAGACCCCACTCATGTTTAGCAGATGTACTTCTGTCAGTTCACTTGAT[AGTTTT>A]GAGAGTCGTTCGATTGCCAGCTCCGTTCAGAGTGAACCATGCAGTGGAATGGTAAGTGGC-3'

ClinVar aggregate classification (germline): Pathogenic (1 of 4 stars; one submission).

Conditions:
Familial adenomatous polyposis 1 (FAP1). Also called: POLYPOSIS, ADENOMATOUS INTESTINAL; FAMILIAL ADENOMATOUS POLYPOSIS 1, ATTENUATED. Identifiers: MedGen C2713442, MONDO:0021056, OMIM 175100. Disease mechanism: loss of function.

Submission:

Labcorp Genetics (formerly Invitae), Labcorp
Classification: Pathogenic for Familial adenomatous polyposis 1. Last evaluated: 2022-07-19. Review status: criteria provided, single submitter. Criteria: Invitae Variant Classification Sherloc (09022015). Collection method: clinical testing. Allele origin: germline.
Comment: A different truncation (p.Tyr2645Lysfs*14) that lies downstream of this variant has been determined to be pathogenic (PMID: 9824584, 1316610, 27081525, 8381579, 22135120, Invitae). This suggests that deletion of this region of the APC protein is causative of disease. This variant is expected to disrupt the EB1 and HDLG binding sites, which mediate interactions with the cytoskeleton (PMID: 15311282, 17293347). While functional studies have not been performed to directly test the effect on APC protein function, this suggests that disruption of the C-terminal portion of the protein is functionally important. Algorithms developed to predict the effect of sequence changes on RNA splicing suggest that this variant may create or strengthen a splice site. ClinVar contains an entry for this variant (Variation ID: 1427121). This variant has not been reported in the literature in individuals affected with APC-related conditions. This variant is not present in population databases (gnomAD no frequency). This sequence change creates a premature translational stop signal (p.Ser1395Argfs*12) in the APC gene. While this is not anticipated to result in nonsense mediated decay, it is expected to disrupt the last 1449 amino acid(s) of the APC protein. For these reasons, this variant has been classified as Pathogenic.

Literature cited by the submitters: PubMed 9824584; PubMed 1316610; PubMed 27081525; PubMed 8381579; PubMed 22135120; PubMed 15311282; PubMed 17293347.